The following is an entry in ClinVar:

ClinVar aggregate classification (germline): Pathogenic (1 of 4 stars; one submission).

Conditions:
Bardet-Biedl syndrome (BBS). Identifiers: Orphanet 110, MedGen C0752166, MONDO:0015229.

Submission:

Labcorp Genetics (formerly Invitae), Labcorp
Classification: Pathogenic for Bardet-Biedl syndrome. Last evaluated: 2021-06-29. Review status: criteria provided, single submitter. Criteria: Invitae Variant Classification Sherloc (09022015). Collection method: clinical testing. Allele origin: germline.
Comment: This sequence change creates a premature translational stop signal (p.Ile156Thrfs*15) in the BBS10 gene. While this is not anticipated to result in nonsense mediated decay, it is expected to disrupt the last 568 amino acid(s) of the BBS10 protein. This variant is not present in population databases (ExAC no frequency). This variant has not been reported in the literature in individuals with BBS10-related conditions. This variant disrupts the C-terminus of the BBS10 protein. Other variant(s) that disrupt this region (p.Val707*) have been determined to be pathogenic (PMID: 25982971, 22773737, 27486776, 20472660). This suggests that variants that disrupt this region of the protein are likely to be causative of disease. For these reasons, this variant has been classified as Pathogenic.

Literature cited by the submitters: PubMed 25982971; PubMed 22773737; PubMed 27486776; PubMed 20472660.

NM_024685.4(BBS10):c.467del (p.Ile156fs)

Gene: BBS10 (Bardet-Biedl syndrome 10; minus strand). Cytogenetic location: 12q21.2.
Variant type: Deletion.
Coding change: c.467del on transcript NM_024685.4 (MANE Select); coding-DNA position 467, one base deleted (T; older notation c.467delT).
Protein change: p.Ile156fs; shifts the reading frame from isoleucine 156.
Molecular consequence: frameshift variant.
Genome position (GRCh38, 1-based): chr12:76,347,518, A deleted on the plus strand (T on the coding strand, the reverse complement: BBS10 is on the minus strand). VCF-style (leftmost placement, unchanged base first): chr12-76347517-GA-G. GRCh37 (hg19) VCF-style: chr12-76741297-GA-G.
Other names: short protein forms I156fs.
Identifiers: ClinVar variation 1369287 (VCV001369287.9), dbSNP rs2136091103, ClinGen allele CA2573148996.